The following is an entry in ClinVar:

NM_002180.3(IGHMBP2):c.389G>A (p.Arg130Gln)

Gene: IGHMBP2 (immunoglobulin mu DNA binding protein 2; plus strand). Cytogenetic location: 11q13.3.
Variant type: single nucleotide variant.
Coding change: c.389G>A on transcript NM_002180.3 (MANE Select); coding-DNA position 389, G replaced by A.
Protein change: p.Arg130Gln; replaces arginine 130 with glutamine.
Molecular consequence: missense variant.
Genome position (GRCh38, 1-based): chr11:68,908,277, G>A. VCF-style: chr11-68908277-G-A. GRCh37 (hg19) VCF-style: chr11-68675745-G-A.
Other names: short protein forms R130Q.
Identifiers: ClinVar variation 643169 (VCV000643169.11), dbSNP rs150123428, ClinGen allele CA6153274.

ClinVar aggregate classification (germline): Uncertain significance. Review status: criteria provided, multiple submitters, no conflicts (2 of 4 stars). 3 submissions from 3 submitters: Uncertain significance (3). Last evaluated 2024-08-21.

Conditions:
Inborn genetic diseases. Identifiers: MedGen C0950123, MeSH D030342.
Autosomal recessive distal spinal muscular atrophy 1. Also called: NEURONOPATHY, DISTAL HEREDITARY MOTOR, HARDING TYPE VI; NEUROPATHY, DISTAL HEREDITARY MOTOR, AUTOSOMAL RECESSIVE 1; SEVERE INFANTILE AXONAL NEUROPATHY WITH RESPIRATORY FAILURE; SPINAL MUSCULAR ATROPHY, DIAPHRAGMATIC; HMN VI; NEURONOPATHY, SEVERE INFANTILE AXONAL, WITH RESPIRATORY FAILURE. Identifiers: Orphanet 98920, MedGen C1858517, MONDO:0011436, OMIM 604320.
Charcot-Marie-Tooth disease axonal type 2S. Also called: CHARCOT-MARIE-TOOTH DISEASE, AXONAL, AUTOSOMAL RECESSIVE, TYPE 2S; CHARCOT-MARIE-TOOTH NEUROPATHY, TYPE 2S. Identifiers: Orphanet 443073, MedGen C4015349, MONDO:0014511, OMIM 616155.
Charcot-Marie-Tooth disease. Also called: Charcot-Marie-Tooth Neuropathy; Charcot-Marie-Tooth Hereditary Neuropathy. Identifiers: Orphanet 166, MedGen C0007959, MONDO:0015626.

Allele frequency attached by ClinVar (database versions not stated): gnomAD 0.00004; TOPMed 0.00004; ESP Exome Variant Server 0.00008.

Submissions (3):

Ambry Genetics
Classification: Uncertain significance for Inborn genetic diseases. Last evaluated: 2024-08-21. Review status: criteria provided, single submitter. Criteria: Ambry Variant Classification Scheme 2023. Collection method: clinical testing. Allele origin: germline.

Labcorp Genetics (formerly Invitae), Labcorp
Classification: Uncertain significance for Autosomal recessive distal spinal muscular atrophy 1; Charcot-Marie-Tooth disease axonal type 2S. Last evaluated: 2023-06-30. Review status: criteria provided, single submitter. Criteria: Invitae Variant Classification Sherloc (09022015). Collection method: clinical testing. Allele origin: germline.
Comment: In summary, the available evidence is currently insufficient to determine the role of this variant in disease. Therefore, it has been classified as a Variant of Uncertain Significance. Advanced modeling of protein sequence and biophysical properties (such as structural, functional, and spatial information, amino acid conservation, physicochemical variation, residue mobility, and thermodynamic stability) performed at Invitae indicates that this missense variant is not expected to disrupt IGHMBP2 protein function. ClinVar contains an entry for this variant (Variation ID: 643169). This variant has not been reported in the literature in individuals affected with IGHMBP2-related conditions. This variant is present in population databases (rs150123428, gnomAD 0.02%). This sequence change replaces arginine, which is basic and polar, with glutamine, which is neutral and polar, at codon 130 of the IGHMBP2 protein (p.Arg130Gln).

Molecular Genetics Laboratory, London Health Sciences Centre
Classification: Uncertain significance for Charcot-Marie-Tooth disease. Review status: criteria provided, single submitter. Criteria: ACMG Guidelines, 2015. Collection method: clinical testing. Allele origin: germline. Affected: yes.